The following is an entry in ClinVar:

ClinVar aggregate classification (germline): Likely pathogenic (1 of 4 stars; one submission).

Conditions:
Diamond-Blackfan anemia. Also called: Blackfan Diamond syndrome; Aregenerative anemia chronic congenital; Red cell aplasia, pure hereditary; Congenital hypoplastic anemia; Aase syndrome. Identifiers: Orphanet 124, MedGen C1260899, MeSH D029503, MONDO:0015253, HP:0004810.

Submission:

Labcorp Genetics (formerly Invitae), Labcorp
Classification: Likely pathogenic for Diamond-Blackfan anemia. Last evaluated: 2025-07-14. Review status: criteria provided, single submitter. Criteria: Invitae Variant Classification Sherloc (09022015). Collection method: clinical testing. Allele origin: germline.
Comment: This sequence change affects a donor splice site in intron 3 of the RPL5 gene. It is expected to disrupt RNA splicing. Variants that disrupt the donor or acceptor splice site typically lead to a loss of protein function (PMID: 16199547), and loss-of-function variants in RPL5 are known to be pathogenic (PMID: 19061985, 19773262). This variant is not present in population databases (gnomAD no frequency). Disruption of this splice site has been observed in individual(s) with Diamond-Blackfan anemia (PMID: 19061985, 19773262, 33718801). Algorithms developed to predict the effect of sequence changes on RNA splicing suggest that this variant may disrupt the consensus splice site. In summary, the currently available evidence indicates that the variant is pathogenic, but additional data are needed to prove that conclusively. Therefore, this variant has been classified as Likely Pathogenic.

Literature cited by the submitters: PubMed 16199547; PubMed 19061985; PubMed 19773262; PubMed 33718801.

NM_000969.5(RPL5):c.189+1G>T

Genes: DIPK1A (divergent protein kinase domain 1A; minus strand), RPL5 (ribosomal protein L5; plus strand). Cytogenetic location: 1p22.1.
Variant type: single nucleotide variant.
Coding change: c.189+1G>T on transcript NM_000969.5 (MANE Select); the canonical splice donor site of the intron after coding-DNA position 189, G replaced by T.
Molecular consequence: splice donor variant. On other transcripts: intron variant (1).
Genome position (GRCh38, 1-based): chr1:92,833,661, G>T. VCF-style: chr1-92833661-G-T. GRCh37 (hg19) VCF-style: chr1-93299218-G-T.
Other names: c.475-627C>A (NM_001252273.2).
Identifiers: ClinVar variation 4746842 (VCV004746842.1).